The following is an entry in ClinVar:

ClinVar aggregate classification (germline): Uncertain significance (1 of 4 stars; one submission).

Conditions:
Inborn genetic diseases. Identifiers: MedGen C0950123, MeSH D030342.

Allele frequency attached by ClinVar (database versions not stated): gnomAD exomes 0.00001.

Submission:

Ambry Genetics
Classification: Uncertain significance for Inborn genetic diseases. Last evaluated: 2026-08-31. Review status: criteria provided, single submitter. Criteria: Ambry Variant Classification Scheme 2023. Collection method: clinical testing. Allele origin: germline.
Comment: The c.647A>G (p.K216R) alteration is located in exon 9 (coding exon 5) of the KRIT1 gene. This alteration results from a A to G substitution at nucleotide position 647, causing the lysine (K) at amino acid position 216 to be replaced by an arginine (R). Based on data from gnomAD, the G allele has an overall frequency of <0.001% (1/251394) total alleles studied. The highest observed frequency was 0.003% (1/34586) of Latino alleles. Based on insufficient or conflicting evidence, the clinical significance of this alteration remains unclear.

NM_194454.3(KRIT1):c.647A>G (p.Lys216Arg)

Gene: KRIT1 (KRIT1 ankyrin repeat containing; minus strand). Cytogenetic location: 7q21.2.
Variant type: single nucleotide variant.
Coding change: c.647A>G on transcript NM_194454.3 (MANE Select); coding-DNA position 647, A replaced by G.
Protein change: p.Lys216Arg; replaces lysine 216 with arginine.
Molecular consequence: missense variant. On other transcripts: intron variant (1).
Genome position (GRCh38, 1-based): chr7:92,235,485, T>C on the plus strand (A>G on the coding strand, the complement: KRIT1 is on the minus strand). VCF-style: chr7-92235485-T-C. GRCh37 (hg19) VCF-style: chr7-91864799-T-C.
Other names: c.647A>G, p.Lys216Arg (NM_001350680.1, NM_001350681.1, NM_001350682.1 and 29 more transcripts); c.15+49A>G (NM_001350671.1); short protein forms K216R.
Identifiers: ClinVar variation 2206494 (VCV002206494.3), dbSNP rs1485250105, ClinGen allele CA368160165.